The following is an entry in ClinVar:

ClinVar aggregate classification (germline): Uncertain significance (3 of 4 stars; one submission).

Conditions:
Glanzmann thrombasthenia. Also called: PLATELET GLYCOPROTEIN IIb-IIIa DEFICIENCY; Thrombasthenia; Glanzmann's thrombasthenia; BLEEDING DISORDER, PLATELET-TYPE, 2; THROMBASTHENIA OF GLANZMANN AND NAEGELI. Identifiers: Orphanet 849, MedGen C0040015, MONDO:0100326.

Submission:

ClinGen Platelet Disorders Variant Curation Expert Panel, ClinGen
Classification: Uncertain significance for Glanzmann thrombasthenia. Last evaluated: 2023-09-07. Review status: reviewed by expert panel. Criteria: ClinGen Platelet ACMG Specifications v2-1. Collection method: curation. Allele origin: germline. Inheritance: Autosomal recessive inheritance.
Comment: The NM_000212.3(ITGB3):c.1309_1311del variant causes the in-frame deletion of p.Glu437del (PM4). It occurs at a very low allele frequency (<1/10,000) overall in gnomAD of 0.000003978 with a MAF of 0.000008795 (1/113702) in the non-Finnish European population (PM2_supporting).In summary, this variant meets the criteria to be classified uncertain significance for autosomal recessive Glanzmann Thrombasthenia based on the ACMG/AMP criteria applied, as specified by the ClinGen PD VCEP: PM2_Supporting, PM4 (PD VCEP specifications version 2.1).

NM_000212.3(ITGB3):c.1309_1311del (p.Glu437del)

Gene: ITGB3 (integrin subunit beta 3; plus strand). Cytogenetic location: 17q21.32.
Variant type: Deletion.
Coding change: c.1309_1311del on transcript NM_000212.3 (MANE Select); coding-DNA positions 1309 to 1311, 3 bases deleted (GAG; older notation c.1309_1311delGAG).
Protein change: p.Glu437del; deletes glutamic acid 437.
Molecular consequence: inframe deletion.
Genome position (GRCh38, 1-based): chr17:47,292,187-47,292,189, GAG deleted; deleting any 3 consecutive bases within chr17:47,292,185-47,292,189 gives the same sequence; the c. name uses the placement nearest the transcript's 3' end. VCF-style (leftmost placement, unchanged base first): chr17-47292184-AAGG-A. GRCh37 (hg19) VCF-style: chr17-45369550-AAGG-A.
Other names: c.1309_1311del (NM_000212.2); short protein forms E437del.
Identifiers: ClinVar variation 323867 (VCV000323867.9), dbSNP rs765171372, ClinGen allele CA8623242.